The following is an entry in ClinVar:

ClinVar aggregate classification (germline): Pathogenic/Likely pathogenic. Review status: criteria provided, multiple submitters, no conflicts (2 of 4 stars). 3 submissions from 3 submitters: Pathogenic (2); Likely pathogenic (1). Last evaluated 2024-06-19.

Conditions:
Marfan syndrome (MFS). Also called: Marfan syndrome, classic; FBN1-Related Marfan Syndrome; Marfan syndrome type 1; Marfan's syndrome; MARFAN SYNDROME, TYPE I. Identifiers: Orphanet 284963, Orphanet 558, MedGen C0024796, MONDO:0007947, OMIM 154700.
Familial thoracic aortic aneurysm and aortic dissection (TAAD). Also called: Thoracic aortic aneurysms and dissections. Identifiers: Orphanet 91387, MedGen C4707243, MONDO:0019625.

Submissions (3):

Labcorp Genetics (formerly Invitae), Labcorp
Classification: Pathogenic for Marfan syndrome; Familial thoracic aortic aneurysm and aortic dissection. Last evaluated: 2024-06-19. Review status: criteria provided, single submitter. Criteria: Invitae Variant Classification Sherloc (09022015). Collection method: clinical testing. Allele origin: germline.
Comment: This sequence change replaces cysteine, which is neutral and slightly polar, with tyrosine, which is neutral and polar, at codon 727 of the FBN1 protein (p.Cys727Tyr). This variant is not present in population databases (gnomAD no frequency). This missense change has been observed in individuals with Marfan syndrome (PMID: 17657824, 20564469; Invitae). ClinVar contains an entry for this variant (Variation ID: 199991). Advanced modeling of protein sequence and biophysical properties (such as structural, functional, and spatial information, amino acid conservation, physicochemical variation, residue mobility, and thermodynamic stability) performed at Invitae indicates that this missense variant is expected to disrupt FBN1 protein function with a positive predictive value of 95%. This variant affects a cysteine residue in the EGF-like, TGFBP or hybrid motif domains of FBN1. Cysteine residues are believed to be involved in intramolecular disulfide bridges and have been shown to be important for FBN1 protein structure (PMID: 16905551, 19349279). In addition, missense substitutions affecting cysteine residues within these domains are significantly overrepresented among patients with Marfan syndrome (PMID: 16571647, 17701892). For these reasons, this variant has been classified as Pathogenic.

Institute of Medical Genetics and Applied Genomics, University Hospital Tübingen
Classification: Likely pathogenic. Last evaluated: 2020-10-23. Review status: criteria provided, single submitter. Criteria: ACMG Guidelines, 2015. Collection method: clinical testing. Allele origin: germline. Inheritance: Unknown mechanism. Affected: yes.

Victorian Clinical Genetics Services, Murdoch Childrens Research Institute
Classification: Pathogenic for Marfan syndrome. Last evaluated: 2020-05-26. Review status: criteria provided, single submitter. Criteria: ACMG Guidelines, 2015. Collection method: clinical testing. Allele origin: germline. Affected: yes.
Comment: Based on the classification scheme VCGS_Germline_v1.1.1, this variant is classified as pathogenic. Following criteria are met: 0102 - Loss-of-function is a known mechanism of disease for this gene. (N) 0104 - Dominant Negative is a mechanism of disease for this gene. (N) 0108 - This gene is known to be associated with both recessive and dominant disease. However reported of recessive disease are rare (OMIM). (N) 0200 - Variant is predicted to result in a missense amino acid change from cysteine to tyrosine (exon 19). (N) 0251 - Variant is heterozygous. (N) 0301 - Variant is absent from gnomAD. (P) 0501 - Missense variant consistently predicted to be damaging by multiple in silico tools or highly conserved with a major amino acid change. (P) 0601 - Variant affects at least one well-established (essential) functional domain or motif, (a disulphide bond-forming residue within a calcium binding EGF domain; uniprot, PDB, PMID: 10486319). (P) 0704 - Comparable variant (p.Cys727Arg) has low previous evidence for pathogenicity (ClinVar, LOVD, PMID: 31227806). (P) 0802 - Moderate previous evidence of pathogenicity in several unrelated heterozygous individuals with Marfan syndrome or ectopia lentis (ClinVar, PMID: 20564469, PMID: 17657824). (P) 0905 - No segregation evidence has been identified for this variant. (N) 1007 - No published functional evidence has been identified for this variant. (N) 1208 - Inheritance information for this variant is not currently available. (N) Legend: (P) - Pathogenic, (N) - Neutral, (B) - Benign

Literature cited by the submitters: PubMed 17657824 (cited by Labcorp Genetics (formerly Invitae), Labcorp and Victorian Clinical Genetics Services, Murdoch Childrens Research Institute); PubMed 20564469 (cited by Labcorp Genetics (formerly Invitae), Labcorp and Victorian Clinical Genetics Services, Murdoch Childrens Research Institute); PubMed 16905551 (cited by Labcorp Genetics (formerly Invitae), Labcorp); PubMed 19349279 (cited by Labcorp Genetics (formerly Invitae), Labcorp); PubMed 16571647 (cited by Labcorp Genetics (formerly Invitae), Labcorp); PubMed 17701892 (cited by Labcorp Genetics (formerly Invitae), Labcorp); PubMed 10486319 (cited by Victorian Clinical Genetics Services, Murdoch Childrens Research Institute); PubMed 31227806 (cited by Victorian Clinical Genetics Services, Murdoch Childrens Research Institute).

NM_000138.5(FBN1):c.2180G>A (p.Cys727Tyr)

Gene: FBN1 (fibrillin 1; minus strand). Cytogenetic location: 15q21.1.
Variant type: single nucleotide variant.
Coding change: c.2180G>A on transcript NM_000138.5 (MANE Select); coding-DNA position 2180, G replaced by A.
Protein change: p.Cys727Tyr; replaces cysteine 727 with tyrosine.
Molecular consequence: missense variant.
Genome position (GRCh38, 1-based): chr15:48,497,379, C>T on the plus strand (G>A on the coding strand, the complement: FBN1 is on the minus strand). VCF-style: chr15-48497379-C-T. GRCh37 (hg19) VCF-style: chr15-48789576-C-T.
Other names: short protein forms C727Y.
Identifiers: ClinVar variation 199991 (VCV000199991.13), dbSNP rs1555399381, ClinGen allele CA012850.
Genomic context (GRCh38, chr15:48,497,379, plus strand): 5'-TTATAGGTCCCACGAAGGTTTTCACAGATTCCATTTGGGCAAATATCAGGATCTAGTGCA[C>T]ATTCATTTATATCTGCACCACAAAAAAGGTCAAAATCAATTAAGATTATAAAATAAATAC-3'
Protein context (NP_000129.3, residues 717-737): MTSAGSDINE[Cys727Tyr]ALDPDICPNG